The following is an entry in ClinVar:

NM_002474.3(MYH11):c.1995G>A (p.Met665Ile)

Gene: MYH11 (myosin heavy chain 11; minus strand). Cytogenetic location: 16p13.11.
Variant type: single nucleotide variant.
Coding change: c.1995G>A on transcript NM_002474.3 (MANE Select); coding-DNA position 1995, G replaced by A.
Protein change: p.Met665Ile; replaces methionine 665 with isoleucine.
Molecular consequence: missense variant.
Genome position (GRCh38, 1-based): chr16:15,750,201, C>T on the plus strand (G>A on the coding strand, the complement: MYH11 is on the minus strand). VCF-style: chr16-15750201-C-T. GRCh37 (hg19) VCF-style: chr16-15844058-C-T.
Other names: c.2016G>A, p.Met672Ile (NM_001040113.2, NM_001040114.2); c.1995G>A, p.Met665Ile (NM_022844.3); short protein forms M665I, M672I.
Identifiers: ClinVar variation 3894411 (VCV003894411.1).

ClinVar aggregate classification (germline): Uncertain significance (1 of 4 stars; one submission).

Conditions:
Familial thoracic aortic aneurysm and aortic dissection (TAAD). Also called: Thoracic aortic aneurysms and dissections. Identifiers: Orphanet 91387, MedGen C4707243, MONDO:0019625.

gnomAD v4.1: 8 of 1,614,228 alleles (0.0005%); highest among the groups gnomAD compares: Non-Finnish European, 0.00068%; no homozygotes.

Submission:

Color Diagnostics, LLC DBA Color Health
Classification: Uncertain significance for Familial thoracic aortic aneurysm and aortic dissection. Last evaluated: 2024-02-25. Review status: criteria provided, single submitter. Criteria: ACMG Guidelines, 2015. Collection method: clinical testing. Allele origin: germline.
Comment: This missense variant replaces methionine with isoleucine at codon 672 of the MYH11 protein. Computational prediction tools indicate that this variant has a deleterious impact on protein structure and function. To our knowledge, functional studies have not been reported for this variant. This variant has not been reported in individuals affected with MYH11-related disorders in the literature. This variant has not been identified in the general population by the Genome Aggregation Database (gnomAD). The available evidence is insufficient to determine the role of this variant in disease conclusively. Therefore, this variant is classified as a Variant of Uncertain Significance.